The following is an entry in ClinVar:

ClinVar aggregate classification (germline): Uncertain significance (1 of 4 stars; one submission).

Allele frequency attached by ClinVar (database versions not stated): gnomAD exomes below 0.00001.

Submission:

Ambry Genetics
Classification: Uncertain significance. Last evaluated: 2024-12-29. Review status: criteria provided, single submitter. Criteria: Ambry Variant Classification Scheme 2023. Collection method: clinical testing. Allele origin: germline.
Comment: The p.T1322A variant (also known as c.3964A>G), located in coding exon 8 of the MLH3 gene, results from an A to G substitution at nucleotide position 3964. The threonine at codon 1322 is replaced by alanine, an amino acid with similar properties. This amino acid position is conserved. In addition, this alteration is predicted to be tolerated by in silico analysis. Since supporting evidence is limited at this time, the clinical significance of this alteration remains unclear.

NM_001040108.2(MLH3):c.3964A>G (p.Thr1322Ala)

Gene: MLH3 (mutL homolog 3; minus strand). Cytogenetic location: 14q24.3.
Variant type: single nucleotide variant.
Coding change: c.3964A>G on transcript NM_001040108.2 (MANE Select); coding-DNA position 3964, A replaced by G.
Protein change: p.Thr1322Ala; replaces threonine 1322 with alanine.
Molecular consequence: missense variant.
Genome position (GRCh38, 1-based): chr14:75,030,566, T>C on the plus strand (A>G on the coding strand, the complement: MLH3 is on the minus strand). VCF-style: chr14-75030566-T-C. GRCh37 (hg19) VCF-style: chr14-75497269-T-C.
Other names: c.3892A>G, p.Thr1298Ala (NM_014381.3); short protein forms T1298A, T1322A.
Identifiers: ClinVar variation 1736543 (VCV001736543.3), dbSNP rs2503116642, ClinGen allele CA390422501.